The following is an entry in ClinVar:

ClinVar aggregate classification (germline): Uncertain significance (1 of 4 stars; one submission).

Conditions:
Inborn genetic diseases. Identifiers: MedGen C0950123, MeSH D030342.

Submission:

Ambry Genetics
Classification: Uncertain significance for Inborn genetic diseases. Last evaluated: 2022-10-29. Review status: criteria provided, single submitter. Criteria: Ambry Variant Classification Scheme 2023. Collection method: clinical testing. Allele origin: germline.
Comment: The p.F872L variant (also known as c.2616T>G), located in coding exon 20 of the LRRK2 gene, results from a T to G substitution at nucleotide position 2616. The phenylalanine at codon 872 is replaced by leucine, an amino acid with highly similar properties. This amino acid position is conserved. In addition, this alteration is predicted to be tolerated by in silico analysis. Since supporting evidence is limited at this time, the clinical significance of this alteration remains unclear.

NM_198578.4(LRRK2):c.2616T>G (p.Phe872Leu)

Gene: LRRK2 (leucine rich repeat kinase 2; plus strand). Cytogenetic location: 12q12.
Variant type: single nucleotide variant.
Coding change: c.2616T>G on transcript NM_198578.4 (MANE Select); coding-DNA position 2616, T replaced by G.
Protein change: p.Phe872Leu; replaces phenylalanine 872 with leucine.
Molecular consequence: missense variant.
Genome position (GRCh38, 1-based): chr12:40,287,466, T>G. VCF-style: chr12-40287466-T-G. GRCh37 (hg19) VCF-style: chr12-40681268-T-G.
Other names: short protein forms F872L.
Identifiers: ClinVar variation 1793865 (VCV001793865.2), dbSNP rs2499679989, ClinGen allele CA384408920.
Genomic context (GRCh38, chr12:40,287,466, plus strand): 5'-GGAAGAAGGAACAGCCTCAGGCAGCGATGGAAATTTTTCTGAAGATGTGCTGTCTAAATT[T>G]GATGAATGGACCTTTATTCCTGACTCTTCTATGGACAGTGTGTTTGCTCAAAGTGATGAC-3'
Protein context (NP_940980.4, residues 862-882): GNFSEDVLSK[Phe872Leu]DEWTFIPDSS